The following is an entry in ClinVar:

ClinVar aggregate classification (germline): Uncertain significance (1 of 4 stars; one submission).

Conditions:
Inborn genetic diseases. Identifiers: MedGen C0950123, MeSH D030342.

Submission:

Ambry Genetics
Classification: Uncertain significance for Inborn genetic diseases. Last evaluated: 2022-02-12. Review status: criteria provided, single submitter. Criteria: Ambry Variant Classification Scheme 2023. Collection method: clinical testing. Allele origin: germline.
Comment: The p.C1925R variant (also known as c.5773T>C), located in coding exon 40 of the LRRK2 gene, results from a T to C substitution at nucleotide position 5773. The cysteine at codon 1925 is replaced by arginine, an amino acid with highly dissimilar properties. This amino acid position is conserved. In addition, the in silico prediction for this alteration is inconclusive. Since supporting evidence is limited at this time, the clinical significance of this alteration remains unclear.

NM_198578.4(LRRK2):c.5773T>C (p.Cys1925Arg)

Gene: LRRK2 (leucine rich repeat kinase 2; plus strand). Cytogenetic location: 12q12.
Variant type: single nucleotide variant.
Coding change: c.5773T>C on transcript NM_198578.4 (MANE Select); coding-DNA position 5773, T replaced by C.
Protein change: p.Cys1925Arg; replaces cysteine 1925 with arginine.
Molecular consequence: missense variant.
Genome position (GRCh38, 1-based): chr12:40,334,982, T>C. VCF-style: chr12-40334982-T-C. GRCh37 (hg19) VCF-style: chr12-40728784-T-C.
Other names: short protein forms C1925R.
Identifiers: ClinVar variation 1749568 (VCV001749568.2), dbSNP rs2499930027, ClinGen allele CA384401856.
Genomic context (GRCh38, chr12:40,334,982, plus strand): 5'-AAACCTGATGTTGAATTACTCTTACATGATTTTGGACTTTTGCAGGAGCTTGTGGTGCTT[T>C]GCCACCTCCACCACCCCAGTTTGATATCTTTGCTGGCAGCTGGGATTCGTCCCCGGATGT-3'
Protein context (NP_940980.4, residues 1915-1935): RLLRQELVVL[Cys1925Arg]HLHHPSLISL